The following is an entry in ClinVar:

NM_004766.3(COPB2):c.2635G>T (p.Glu879Ter)

Gene: COPB2 (COPI coat complex subunit beta 2; minus strand). Cytogenetic location: 3q23.
Variant type: single nucleotide variant.
Coding change: c.2635G>T on transcript NM_004766.3 (MANE Select); coding-DNA position 2635, G replaced by T.
Protein change: p.Glu879Ter; replaces glutamic acid 879 with a stop codon.
Molecular consequence: nonsense. On other transcripts: non-coding transcript variant (1).
Genome position (GRCh38, 1-based): chr3:139,357,949, C>A on the plus strand (G>T on the coding strand, the complement: COPB2 is on the minus strand). VCF-style: chr3-139357949-C-A. GRCh37 (hg19) VCF-style: chr3-139076791-C-A.
Other names: c.2548G>T, p.Glu850Ter (NM_001410834.1); short protein forms E850*, E879*.
Identifiers: ClinVar variation 3370939 (VCV003370939.1).

ClinVar aggregate classification (germline): Uncertain significance (1 of 4 stars; one submission).

Submission:

GeneDx
Classification: Uncertain significance. Last evaluated: 2024-03-18. Review status: criteria provided, single submitter. Criteria: GeneDx Variant Classification Process June 2021. Collection method: clinical testing. Allele origin: germline. Affected: yes.
Comment: Not observed at significant frequency in large population cohorts (gnomAD); Nonsense variant predicted to result in protein truncation as the last 28 amino acids are lost, although loss-of-function variants have not been reported downstream of this position in the protein; Has not been previously published as pathogenic or benign to our knowledge